The following is an entry in ClinVar:

ClinVar aggregate classification (germline): Uncertain significance (1 of 4 stars; one submission).

Conditions:
Hyperphosphatasia with impaired intellectual development syndrome 2. Also called: Hyperphosphatasia with intellectual disability syndrome 2; GLYCOSYLPHOSPHATIDYLINOSITOL BIOSYNTHESIS DEFECT 6. Identifiers: Orphanet 247262, MedGen C3553637, MONDO:0013882, OMIM 614749.

Allele frequency attached by ClinVar (database versions not stated): ExAC 0.00001; gnomAD exomes 0.00001; TOPMed 0.00001; gnomAD 0.00002.

Submission:

Labcorp Genetics (formerly Invitae), Labcorp
Classification: Uncertain significance for Hyperphosphatasia with impaired intellectual development syndrome 2. Last evaluated: 2022-08-08. Review status: criteria provided, single submitter. Criteria: Invitae Variant Classification Sherloc (09022015). Collection method: clinical testing. Allele origin: germline.
Comment: This sequence change replaces alanine, which is neutral and non-polar, with valine, which is neutral and non-polar, at codon 676 of the PIGO protein (p.Ala676Val). This variant is present in population databases (rs753196105, gnomAD 0.005%). This variant has not been reported in the literature in individuals affected with PIGO-related conditions. Algorithms developed to predict the effect of missense changes on protein structure and function (SIFT, PolyPhen-2, Align-GVGD) all suggest that this variant is likely to be tolerated. In summary, the available evidence is currently insufficient to determine the role of this variant in disease. Therefore, it has been classified as a Variant of Uncertain Significance.

NM_032634.4(PIGO):c.2027C>T (p.Ala676Val)

Gene: PIGO (phosphatidylinositol glycan anchor biosynthesis class O; minus strand). Cytogenetic location: 9p13.3.
Variant type: single nucleotide variant.
Coding change: c.2027C>T on transcript NM_032634.4 (MANE Select); coding-DNA position 2027, C replaced by T.
Protein change: p.Ala676Val; replaces alanine 676 with valine.
Molecular consequence: missense variant. On other transcripts: intron variant (2).
Genome position (GRCh38, 1-based): chr9:35,091,860, G>A on the plus strand (C>T on the coding strand, the complement: PIGO is on the minus strand). VCF-style: chr9-35091860-G-A. GRCh37 (hg19) VCF-style: chr9-35091857-G-A.
Other names: c.1345-569C>T (NM_152850.4, NM_001201484.2); short protein forms A676V.
Identifiers: ClinVar variation 2144563 (VCV002144563.3), dbSNP rs753196105, ClinGen allele CA5040522.
Genomic context (GRCh38, chr9:35,091,860, plus strand): 5'-CTCTTGAGATTACCATAGCGGCGAAGCCACAAGCGCACGGCAGCTAACAGGGCCACCAGC[G>A]CCGCCACACAAGCTCCATACCACAAATTCTTGGCTCGACCACCCACCATGGATGCCAGAG-3'
Protein context (NP_116023.2, residues 666-686): KNLWYGACVA[Ala676Val]LVALLAAVRL